The following is an entry in ClinVar:

ClinVar aggregate classification (germline): Pathogenic. Review status: criteria provided, single submitter (1 of 4 stars). 3 submissions from 2 submitters: Pathogenic (1). 2 of the submissions do not count toward it. Last evaluated 2025-09-08.

Conditions:
Congenital myotonia, autosomal dominant form (THD). Also called: THOMSEN DISEASE; Myotonia congenita autosomal dominant. Identifiers: Orphanet 614, MedGen C2936781, MONDO:0008055, OMIM 160800.
Congenital myotonia, autosomal recessive form. Also called: BECKER DISEASE; myotonia congenita, autosomal recessive; Becker Generalized Myotonia. Identifiers: Orphanet 614, MedGen C0751360, MONDO:0009715, OMIM 255700.

Submissions (3):

Labcorp Genetics (formerly Invitae), Labcorp
Classification: Pathogenic for Congenital myotonia, autosomal recessive form; Congenital myotonia, autosomal dominant form. Last evaluated: 2025-09-08. Review status: criteria provided, single submitter. Criteria: Invitae Variant Classification Sherloc (09022015). Collection method: clinical testing. Allele origin: germline.
Comment: This sequence change replaces lysine, which is basic and polar, with arginine, which is basic and polar, at codon 215 of the CLCN1 protein (p.Lys215Arg). This variant is not present in population databases (gnomAD no frequency). This missense change has been observed in individuals with clinical features of autosomal dominant CLCN1-related conditions (PMID: 35907044; internal data). It has also been observed to segregate with disease in related individuals. This variant has been reported in individual(s) with clinical features of autosomal recessive CLCN1-related conditions (PMID: 35907044); however, the role of the variant in this condition is currently unclear. ClinVar contains an entry for this variant (Variation ID: 1697273). Invitae Evidence Modeling of protein sequence and biophysical properties (such as structural, functional, and spatial information, amino acid conservation, physicochemical variation, residue mobility, and thermodynamic stability) indicates that this missense variant is expected to disrupt CLCN1 protein function with a positive predictive value of 95%. For these reasons, this variant has been classified as Pathogenic.

Department of Neurology and Geriatrics, Kagoshima University Graduate School of Medical and Dental Sciences
Classification: Likely pathogenic for Congenital myotonia, autosomal recessive form. Last evaluated: 2022-04-06. Review status: no assertion criteria provided. Collection method: research. Allele origin: germline. Affected: yes. Not counted in ClinVar's aggregate classification.

Department of Neurology and Geriatrics, Kagoshima University Graduate School of Medical and Dental Sciences
Classification: Likely pathogenic for Congenital myotonia, autosomal dominant form. Last evaluated: 2022-04-06. Review status: no assertion criteria provided. Collection method: research. Allele origin: germline. Affected: yes. Not counted in ClinVar's aggregate classification.

Literature cited by the submitters: PubMed 35907044 (cited by Labcorp Genetics (formerly Invitae), Labcorp).

NM_000083.3(CLCN1):c.644A>G (p.Lys215Arg)

Gene: CLCN1 (chloride voltage-gated channel 1; plus strand). Cytogenetic location: 7q34.
Variant type: single nucleotide variant.
Coding change: c.644A>G on transcript NM_000083.3 (MANE Select); coding-DNA position 644, A replaced by G.
Protein change: p.Lys215Arg; replaces lysine 215 with arginine.
Molecular consequence: missense variant. On other transcripts: non-coding transcript variant (1).
Genome position (GRCh38, 1-based): chr7:143,321,796, A>G. VCF-style: chr7-143321796-A-G. GRCh37 (hg19) VCF-style: chr7-143018889-A-G.
Other names: short protein forms K215R.
Identifiers: ClinVar variation 1697273 (VCV001697273.6), dbSNP rs2116838620, ClinGen allele CA369684802.